The following is an entry in ClinVar:

NM_021067.5(GINS1):c.436C>G (p.Leu146Val)

Gene: GINS1 (GINS complex subunit 1; plus strand). Cytogenetic location: 20p11.21.
Variant type: single nucleotide variant.
Coding change: c.436C>G on transcript NM_021067.5 (MANE Select); coding-DNA position 436, C replaced by G.
Protein change: p.Leu146Val; replaces leucine 146 with valine.
Molecular consequence: missense variant. On other transcripts: non-coding transcript variant (1).
Genome position (GRCh38, 1-based): chr20:25,425,316, C>G. VCF-style: chr20-25425316-C-G. GRCh37 (hg19) VCF-style: chr20-25405952-C-G.
Other names: short protein forms L146V.
Identifiers: ClinVar variation 1365935 (VCV001365935.6), dbSNP rs2146206442, ClinGen allele CA408449109.

ClinVar aggregate classification (germline): Uncertain significance (1 of 4 stars; one submission).

Submission:

Labcorp Genetics (formerly Invitae), Labcorp
Classification: Uncertain significance. Last evaluated: 2025-11-18. Review status: criteria provided, single submitter. Criteria: Invitae Variant Classification Sherloc (09022015). Collection method: clinical testing. Allele origin: germline.
Comment: This sequence change replaces leucine, which is neutral and non-polar, with valine, which is neutral and non-polar, at codon 146 of the GINS1 protein (p.Leu146Val). This variant is not present in population databases (gnomAD no frequency). This variant has not been reported in the literature in individuals affected with GINS1-related conditions. ClinVar contains an entry for this variant (Variation ID: 1365935). An algorithm developed to predict the effect of missense changes on protein structure and function (PolyPhen-2) suggests that this variant is likely to be tolerated. In summary, the available evidence is currently insufficient to determine the role of this variant in disease. Therefore, it has been classified as a Variant of Uncertain Significance.